The following is an entry in ClinVar:

ClinVar aggregate classification (germline): Uncertain significance (1 of 4 stars; one submission).

Submission:

CeGaT Center for Human Genetics Tuebingen
Classification: Uncertain significance. Last evaluated: 2025-10-01. Review status: criteria provided, single submitter. Criteria: CeGaT Center For Human Genetics Tuebingen Variant Classification Criteria Version 2. Collection method: clinical testing. Allele origin: germline. Affected: yes. Observed: 1 variant allele.
Comment: PHKB: PM2, PP3

NM_000293.3(PHKB):c.2512A>G (p.Lys838Glu)

Gene: PHKB (phosphorylase kinase regulatory subunit beta; plus strand). Cytogenetic location: 16q12.1.
Variant type: single nucleotide variant.
Coding change: c.2512A>G on transcript NM_000293.3 (MANE Select); coding-DNA position 2512, A replaced by G.
Protein change: p.Lys838Glu; replaces lysine 838 with glutamic acid.
Molecular consequence: missense variant.
Genome position (GRCh38, 1-based): chr16:47,669,299, A>G. VCF-style: chr16-47669299-A-G. GRCh37 (hg19) VCF-style: chr16-47703210-A-G.
Other names: c.2491A>G, p.Lys831Glu (NM_001031835.3); c.2512A>G, p.Lys838Glu (NM_001363837.1); short protein forms K831E, K838E.
Identifiers: ClinVar variation 4534893 (VCV004534893.6).